The following is an entry in ClinVar:

ClinVar aggregate classification (germline): Likely benign. Review status: criteria provided, multiple submitters, no conflicts (2 of 4 stars). 3 submissions from 3 submitters: Likely benign (2). 1 of the submissions does not count toward it. Last evaluated 2025-02-01.

Conditions:
KIDINS220-related disorder. Also called: KIDINS220-related condition.

Allele frequency attached by ClinVar (database versions not stated): TOPMed 0.00035; gnomAD 0.00041; gnomAD exomes 0.00044 and 0.00072; ExAC 0.00058.
gnomAD v4.1: 1,106 of 1,610,208 alleles (0.069%); highest among the groups gnomAD compares: Non-Finnish European, 0.086%; no homozygotes.

Submissions (3):

CeGaT Center for Human Genetics Tuebingen
Classification: Likely benign. Last evaluated: 2025-02-01. Review status: criteria provided, single submitter. Criteria: CeGaT Center For Human Genetics Tuebingen Variant Classification Criteria Version 2. Collection method: clinical testing. Allele origin: germline. Affected: yes. Observed: 5 variant alleles.
Comment: KIDINS220: BP4, BP7

Breakthrough Genomics
Classification: Likely benign. Review status: criteria provided, single submitter. Criteria: ACMG Guidelines, 2015. Collection method: not provided. Allele origin: germline. Inheritance: Autosomal recessive inheritance. Affected: yes.

PreventionGenetics, part of Exact Sciences
Classification: Likely benign for KIDINS220-related condition. Last evaluated: 2019-05-08. Review status: no assertion criteria provided. Collection method: clinical testing. Allele origin: germline. Not counted in ClinVar's aggregate classification.
Comment: This variant is classified as likely benign based on ACMG/AMP sequence variant interpretation guidelines (Richards et al. 2015 PMID: 25741868, with internal and published modifications).

NM_020738.4(KIDINS220):c.3012-6134A>G

Gene: KIDINS220 (kinase D interacting substrate 220; minus strand). Cytogenetic location: 2p25.1.
Variant type: single nucleotide variant.
Coding change: c.3012-6134A>G on transcript NM_020738.4 (MANE Select); 6134 bases into the intron before coding-DNA position 3012, A replaced by G.
Molecular consequence: intron variant. On other transcripts: synonymous variant (1).
Genome position (GRCh38, 1-based): chr2:8,757,778, T>C on the plus strand (A>G on the coding strand, the complement: KIDINS220 is on the minus strand). VCF-style: chr2-8757778-T-C. GRCh37 (hg19) VCF-style: chr2-8897908-T-C.
Other names: c.3024A>G, p.Gly1008= (NM_001348745.2); c.3012-6134A>G (NM_001348741.2, NM_001348738.2, NM_001348742.2 and 3 more transcripts); c.3015-6134A>G (NM_001348739.2, NM_001348740.2, NM_001348734.2 and 2 more transcripts); c.2886-6134A>G (NM_001348736.2); c.3024A>G (NM_001348745.1).
Identifiers: ClinVar variation 1298790 (VCV001298790.37), dbSNP rs563784621, ClinGen allele CA1519819.
Genomic context (GRCh38, chr2:8,757,778, plus strand): 5'-CAACATGGCAACTAACACTGACTTGGAAATGCCAATTCGGTCTCGGTCACAACTGTCTGC[T>C]CCACAGCATCTGTGTTTGAATAATAACATCTTCAGTATGGCTCTGTCCTCCTAAATCCTG-3'